The following is an entry in ClinVar:

ClinVar aggregate classification (germline): Uncertain significance (1 of 4 stars; one submission).

Allele frequency attached by ClinVar (database versions not stated): TOPMed 0.00001.

Submission:

Labcorp Genetics (formerly Invitae), Labcorp
Classification: Uncertain significance. Last evaluated: 2022-04-20. Review status: criteria provided, single submitter. Criteria: Invitae Variant Classification Sherloc (09022015). Collection method: clinical testing. Allele origin: germline.
Comment: This sequence change replaces arginine, which is basic and polar, with glutamine, which is neutral and polar, at codon 551 of the RUSC2 protein (p.Arg551Gln). This variant is present in population databases (rs751418294, gnomAD 0.007%). This variant has not been reported in the literature in individuals affected with RUSC2-related conditions. Algorithms developed to predict the effect of missense changes on protein structure and function are either unavailable or do not agree on the potential impact of this missense change (SIFT: "Deleterious"; PolyPhen-2: "Probably Damaging"; Align-GVGD: "Class C0"). In summary, the available evidence is currently insufficient to determine the role of this variant in disease. Therefore, it has been classified as a Variant of Uncertain Significance.

NM_014806.5(RUSC2):c.1652G>A (p.Arg551Gln)

Gene: RUSC2 (RUN and SH3 domain containing 2; plus strand). Cytogenetic location: 9p13.3.
Variant type: single nucleotide variant.
Coding change: c.1652G>A on transcript NM_014806.5 (MANE Select); coding-DNA position 1652, G replaced by A.
Protein change: p.Arg551Gln; replaces arginine 551 with glutamine.
Molecular consequence: missense variant. On other transcripts: non-coding transcript variant (1), intron variant (1).
Genome position (GRCh38, 1-based): chr9:35,548,173, G>A. VCF-style: chr9-35548173-G-A. GRCh37 (hg19) VCF-style: chr9-35548170-G-A.
Other names: c.1652G>A, p.Arg551Gln (NM_001135999.2); c.-620-6887G>A (NM_001330740.2); short protein forms R551Q.
Identifiers: ClinVar variation 1377056 (VCV001377056.5), dbSNP rs751418294, ClinGen allele CA5043699.
Genomic context (GRCh38, chr9:35,548,173, plus strand): 5'-TGGCCGGGCCTGGCTCCCCACCCAGGAGGGTCACCTCCTTTGCCGAGCTGGCCAAGGGCC[G>A]GAAGAAAACTGGAGGCTCTGGCTCGCCCCCACTTCGTGTGAGTGTTGGGGACTCCTCCCA-3'
Protein context (NP_055621.2, residues 541-561): VTSFAELAKG[Arg551Gln]KKTGGSGSPP